The following is an entry in ClinVar:

ClinVar aggregate classification (germline): Uncertain significance (1 of 4 stars; one submission).

Allele frequency attached by ClinVar (database versions not stated): gnomAD 0.00001; TOPMed 0.00001; ExAC 0.00002; gnomAD exomes 0.00002 and 0.00004.
gnomAD v4.1: 11 of 1,613,432 alleles (0.00068%); highest among the groups gnomAD compares: Admixed American, 0.018%; no homozygotes.

Submission:

Labcorp Genetics (formerly Invitae), Labcorp
Classification: Uncertain significance. Last evaluated: 2022-09-27. Review status: criteria provided, single submitter. Criteria: Invitae Variant Classification Sherloc (09022015). Collection method: clinical testing. Allele origin: germline.
Comment: In summary, the available evidence is currently insufficient to determine the role of this variant in disease. Therefore, it has been classified as a Variant of Uncertain Significance. Algorithms developed to predict the effect of missense changes on protein structure and function are either unavailable or do not agree on the potential impact of this missense change (SIFT: "Tolerated"; PolyPhen-2: "Possibly Damaging"; Align-GVGD: "Class C0"). ClinVar contains an entry for this variant (Variation ID: 1494712). This variant has not been reported in the literature in individuals affected with SPP2-related conditions. This variant is present in population databases (rs757273882, gnomAD 0.03%). This sequence change replaces arginine, which is basic and polar, with lysine, which is basic and polar, at codon 205 of the SPP2 protein (p.Arg205Lys).

NM_006944.3(SPP2):c.614G>A (p.Arg205Lys)

Gene: SPP2 (secreted phosphoprotein 2; plus strand). Cytogenetic location: 2q37.1.
Variant type: single nucleotide variant.
Coding change: c.614G>A on transcript NM_006944.3 (MANE Select); coding-DNA position 614, G replaced by A.
Protein change: p.Arg205Lys; replaces arginine 205 with lysine.
Molecular consequence: missense variant.
Genome position (GRCh38, 1-based): chr2:234,069,991, G>A. VCF-style: chr2-234069991-G-A. GRCh37 (hg19) VCF-style: chr2-234978635-G-A.
Other names: short protein forms R205K.
Identifiers: ClinVar variation 1494712 (VCV001494712.6), dbSNP rs757273882, ClinGen allele CA2183284.